The following is an entry in ClinVar:

ClinVar aggregate classification (germline): Conflicting classifications of pathogenicity. Review status: criteria provided, conflicting classifications (1 of 4 stars). 6 submissions from 6 submitters: Uncertain significance (1); Likely benign (4). 1 of the submissions does not count toward it. Last evaluated 2026-02-14.

Conditions:
COL18A1-related disorder. Also called: COL18A1-related condition; COL18A1-related disorders.
Inborn genetic diseases. Identifiers: MedGen C0950123, MeSH D030342.

Allele frequency attached by ClinVar (database versions not stated): gnomAD exomes 0.00024; ExAC 0.00037; gnomAD 0.00082 and 0.00083; ESP Exome Variant Server 0.00083; TOPMed 0.00085; 1000 Genomes Project 0.00200; 1000 Genomes Project 30x 0.00203.
gnomAD v4.1: 282 of 1,611,354 alleles (0.018%); highest among the groups gnomAD compares: African/African-American, 0.29%; 2 homozygotes.

Submissions (6):

GeneDx
Classification: Uncertain significance. Last evaluated: 2026-02-14. Review status: criteria provided, single submitter. Criteria: GeneDx Variant Classification Process June 2021. Collection method: clinical testing. Allele origin: germline.
Comment: In silico analysis suggests that this missense variant does not alter protein structure/function; Has not been previously published as pathogenic or benign to our knowledge

Labcorp Genetics (formerly Invitae), Labcorp
Classification: Likely benign. Last evaluated: 2026-02-02. Review status: criteria provided, single submitter. Criteria: Invitae Variant Classification Sherloc (09022015). Collection method: clinical testing. Allele origin: germline.

Ambry Genetics
Classification: Likely benign for Inborn genetic diseases. Last evaluated: 2025-08-31. Review status: criteria provided, single submitter. Criteria: Ambry Variant Classification Scheme 2023. Collection method: clinical testing. Allele origin: germline.

Blueprint Genetics
Classification: Likely benign. Last evaluated: 2024-05-30. Review status: criteria provided, single submitter. Criteria: ACMG Guidelines, 2015. Collection method: clinical testing. Allele origin: germline.

Breakthrough Genomics
Classification: Likely benign. Review status: criteria provided, single submitter. Criteria: ACMG Guidelines, 2015. Collection method: not provided. Allele origin: germline. Inheritance: Autosomal recessive inheritance. Affected: yes.

PreventionGenetics, part of Exact Sciences
Classification: Likely benign for COL18A1-related condition. Last evaluated: 2022-10-20. Review status: no assertion criteria provided. Collection method: clinical testing. Allele origin: germline. Not counted in ClinVar's aggregate classification.
Comment: This variant is classified as likely benign based on ACMG/AMP sequence variant interpretation guidelines (Richards et al. 2015 PMID: 25741868, with internal and published modifications).

NM_001379500.1(COL18A1):c.1540G>A (p.Asp514Asn)

Gene: COL18A1 (collagen type XVIII alpha 1 chain; plus strand). Cytogenetic location: 21q22.3.
Variant type: single nucleotide variant.
Coding change: c.1540G>A on transcript NM_001379500.1 (MANE Select); coding-DNA position 1540, G replaced by A.
Protein change: p.Asp514Asn; replaces aspartic acid 514 with asparagine.
Molecular consequence: missense variant.
Genome position (GRCh38, 1-based): chr21:45,480,787, G>A. VCF-style: chr21-45480787-G-A. GRCh37 (hg19) VCF-style: chr21-46900701-G-A.
Other names: NM_130445.2:c.1540G>A; c.2080G>A, p.Asp694Asn (NM_030582.4); c.2785G>A, p.Asp929Asn (NM_130444.3); c.2080G>A (NM_030582.3); short protein forms D514N, D694N, D929N.
Identifiers: ClinVar variation 1115520 (VCV001115520.15), dbSNP rs79292579, ClinGen allele CA10066381.